The following is an entry in ClinVar:

NM_001145440.3(TYW1B):c.471C>T (p.Gly157=)

Gene: TYW1B (tRNA-yW synthesizing protein 1 homolog B; minus strand). Cytogenetic location: 7q11.23.
Variant type: single nucleotide variant.
Coding change: c.471C>T on transcript NM_001145440.3 (MANE Select); coding-DNA position 471, C replaced by T.
Protein change: p.Gly157=; no amino-acid change (glycine 157 retained).
Molecular consequence: synonymous variant.
Genome position (GRCh38, 1-based): chr7:72,807,318, G>A on the plus strand (C>T on the coding strand, the complement: TYW1B is on the minus strand). VCF-style: chr7-72807318-G-A. GRCh37 (hg19) VCF-style: chr7-72277911-G-A.
Other names: NC_000007.13:g.72277911G>A; c.471C>T, p.Gly157= (NM_001412179.1, NM_001412180.1, NM_001412181.1).
Identifiers: ClinVar variation 2657543 (VCV002657543.25), dbSNP rs200711271, ClinGen allele CA4282816.

ClinVar aggregate classification (germline): Likely benign (1 of 4 stars; one submission).

Allele frequency attached by ClinVar (database versions not stated): 1000 Genomes Project 30x 0.00016; 1000 Genomes Project 0.00020; ESP Exome Variant Server 0.00131; TOPMed 0.00212; gnomAD exomes 0.00346; gnomAD 0.00376; ExAC 0.00540.
gnomAD v4.1: 5,635 of 1,613,936 alleles (0.35%); highest among the groups gnomAD compares: Non-Finnish European, 0.32%; 39 homozygotes.

Submissions (4):

CeGaT Center for Human Genetics Tuebingen
Classification: Likely benign. Last evaluated: 2022-04-01. Review status: criteria provided, single submitter. Criteria: CeGaT Center For Human Genetics Tuebingen Variant Classification Criteria Version 2. Collection method: clinical testing. Allele origin: germline. Affected: yes. Observed: 1 variant allele.
Comment: TYW1B: BP4, BP7

Dr. Peter K. Rogan Lab, Western University
No classification provided (evidence only). Condition: Thyroid cancer, nonmedullary, 1. Review status: no classification provided. Collection method: in vitro. Allele origin: not applicable. Functional consequence: retained intron. Not counted in ClinVar's aggregate classification.

Dr. Peter K. Rogan Lab, Western University
No classification provided (evidence only). Condition: Uterine corpus endometrial carcinoma. Review status: no classification provided. Collection method: in vitro. Allele origin: not applicable. Functional consequence: retained intron. Not counted in ClinVar's aggregate classification.

Dr. Peter K. Rogan Lab, Western University
No classification provided (evidence only). Condition: Cervical cancer. Review status: no classification provided. Collection method: in vitro. Allele origin: not applicable. Functional consequence: retained intron. Not counted in ClinVar's aggregate classification.